The following is an entry in ClinVar:

ClinVar aggregate classification (germline): Likely pathogenic (1 of 4 stars; one submission).

Conditions:
Arrhythmogenic right ventricular dysplasia 11. Also called: ARRHYTHMOGENIC RIGHT VENTRICULAR DYSPLASIA, FAMILIAL, 11; Arrhythmogenic Right Ventricular Dysplasia/Cardiomyopathy11; Arrhythmogenic right ventricular dysplasia 11 with mild palmoplantar keratoderma and woolly hair. Identifiers: MedGen C1864850, MONDO:0012506, OMIM 610476.

Submission:

Variantyx, Inc.
Classification: Likely pathogenic for Arrhythmogenic right ventricular dysplasia 11. Last evaluated: 2025-06-29. Review status: criteria provided, single submitter. Criteria: Variantyx Assertion Criteria 2022. Collection method: clinical testing. Allele origin: germline. Inheritance: Semidominant inheritance.
Comment: This is a frameshift variant in the DSC2 gene (OMIM: 125645). Pathogenic variants in this gene have been associated with autosomal semidominant arrhythmogenic right ventricular dysplasia 11. This variant introduces a premature termination codon in exon 12 out of 16 and is expected to result in loss of function, which is a known disease mechanism for DSC2 in this disorder (PMID: 23911551) (PVS1). This variant is absent from control populations (PM2) and it has not been reported in individuals with DSC2-related disorders in the databases available for review. Based on the current evidence, this variant is classified as likely pathogenic for autosomal semidominant arrhythmogenic right ventricular dysplasia 11.

Literature cited by the submitters: PubMed 23911551.

NM_024422.6(DSC2):c.1745_1746del (p.Val582fs)

Gene: DSC2 (desmocollin 2; minus strand). Cytogenetic location: 18q12.1.
Variant type: Deletion.
Coding change: c.1745_1746del on transcript NM_024422.6 (MANE Select); coding-DNA positions 1745 to 1746, 2 bases deleted (TG; older notation c.1745_1746delTG).
Protein change: p.Val582fs; shifts the reading frame from valine 582.
Molecular consequence: frameshift variant.
Genome position (GRCh38, 1-based): chr18:31,074,825-31,074,826, CA deleted on the plus strand (TG on the coding strand, the reverse complement: DSC2 is on the minus strand); deleting any 2 consecutive bases within chr18:31,074,825-31,074,827 gives the same sequence; the c. name uses the placement nearest the transcript's 3' end. VCF-style (leftmost placement, unchanged base first): chr18-31074824-TCA-T. GRCh37 (hg19) VCF-style: chr18-28654790-TCA-T.
Other names: c.1316_1317del, p.Val439fs (NM_001406506.1, NM_001406507.1); c.1745_1746del, p.Val582fs (NM_004949.5); short protein forms V439fs, V582fs.
Identifiers: ClinVar variation 4850736 (VCV004850736.1).
Genomic context (GRCh38, chr18:31,074,824, plus strand): 5'-TAGGCTCATCAGGATCAACCGCAACAATCTCCGCAGATGACATGGTGGGTTTGCAGATGA[TCA>T]CTGTCTTTTTAGGTATGAATGGGCTGTTATCATTCACGTCTTGAAGTATAATGCCCAGTG-3'